The following is an entry in ClinVar:

ClinVar aggregate classification (germline): Benign/Likely benign. Review status: criteria provided, multiple submitters, no conflicts (2 of 4 stars). 3 submissions from 3 submitters: Benign (2); Likely benign (1). Last evaluated 2026-01-16.

Allele frequency attached by ClinVar (database versions not stated): 1000 Genomes Project 0.00659; 1000 Genomes Project 30x 0.00718; gnomAD 0.00843 and 0.00916; TOPMed 0.00976; ESP Exome Variant Server 0.00381; ExAC 0.00365; gnomAD exomes 0.00241.

Submissions (3):

Labcorp Genetics (formerly Invitae), Labcorp
Classification: Benign. Last evaluated: 2026-01-16. Review status: criteria provided, single submitter. Criteria: Invitae Variant Classification Sherloc (09022015). Collection method: clinical testing. Allele origin: germline.

GeneDx
Classification: Likely benign. Last evaluated: 2021-06-03. Review status: criteria provided, single submitter. Criteria: GeneDx Variant Classification Process June 2021. Collection method: clinical testing. Allele origin: germline. Affected: yes.
Comment: See Variant Classification Assertion Criteria.

Breakthrough Genomics
Classification: Benign. Review status: criteria provided, single submitter. Criteria: ACMG Guidelines, 2015. Collection method: not provided. Allele origin: germline. Inheritance: Autosomal dominant inheritance. Affected: yes.

NM_005251.3(FOXC2):c.648G>A (p.Glu216=)

Gene: FOXC2 (forkhead box C2; plus strand). Cytogenetic location: 16q24.1.
Variant type: single nucleotide variant.
Coding change: c.648G>A on transcript NM_005251.3 (MANE Select); coding-DNA position 648, G replaced by A.
Protein change: p.Glu216=; no amino-acid change (glutamic acid 216 retained).
Molecular consequence: synonymous variant.
Genome position (GRCh38, 1-based): chr16:86,567,983, G>A. VCF-style: chr16-86567983-G-A. GRCh37 (hg19) VCF-style: chr16-86601589-G-A.
Identifiers: ClinVar variation 707237 (VCV000707237.11), dbSNP rs79883807, ClinGen allele CA8218382.